The following is an entry in ClinVar:

ClinVar aggregate classification (germline): Uncertain significance (1 of 4 stars; one submission).

Conditions:
Familial thoracic aortic aneurysm and aortic dissection (TAAD). Also called: Thoracic aortic aneurysms and dissections. Identifiers: Orphanet 91387, MedGen C4707243, MONDO:0019625.

Submission:

Ambry Genetics
Classification: Uncertain significance for Familial thoracic aortic aneurysm and aortic dissection. Last evaluated: 2025-06-28. Review status: criteria provided, single submitter. Criteria: Ambry Variant Classification Scheme 2023. Collection method: clinical testing. Allele origin: germline.
Comment: The p.T559K variant (also known as c.1676C>A), located in coding exon 11 of the NOTCH1 gene, results from a C to A substitution at nucleotide position 1676. The threonine at codon 559 is replaced by lysine, an amino acid with similar properties. This amino acid position is conserved. In addition, the in silico prediction for this alteration is inconclusive. Based on the available evidence, the clinical significance of this variant remains unclear.

NM_017617.5(NOTCH1):c.1676C>A (p.Thr559Lys)

Gene: NOTCH1 (notch receptor 1; minus strand). Cytogenetic location: 9q34.3.
Variant type: single nucleotide variant.
Coding change: c.1676C>A on transcript NM_017617.5 (MANE Select); coding-DNA position 1676, C replaced by A.
Protein change: p.Thr559Lys; replaces threonine 559 with lysine.
Molecular consequence: missense variant.
Genome position (GRCh38, 1-based): chr9:136,515,710, G>T on the plus strand (C>A on the coding strand, the complement: NOTCH1 is on the minus strand). VCF-style: chr9-136515710-G-T. GRCh37 (hg19) VCF-style: chr9-139410162-G-T.
Other names: short protein forms T559K.
Identifiers: ClinVar variation 4121643 (VCV004121643.1).
Genomic context (GRCh38, chr9:136,515,710, plus strand): 5'-GAGCCGTAGTGGCAGGGGTCGGGGTCGCACTCATCGATGTCCACCTCGCAGTGCGTCCCC[G>T]TGTACCCTGGACCGTGGGAGGGGCGGGCACAGGAAGACTTAGGACTGGCGGCCCCCGGGA-3'
Protein context (NP_060087.3, residues 549-569): TYTCVCTEGY[Thr559Lys]GTHCEVDIDE